The following is an entry in ClinVar:

NM_005548.3(KARS1):c.1253-1G>C

Gene: KARS1 (lysyl-tRNA synthetase 1; minus strand). Cytogenetic location: 16q23.1.
Variant type: single nucleotide variant.
Coding change: c.1253-1G>C on transcript NM_005548.3 (MANE Select); the canonical splice acceptor site of the intron before coding-DNA position 1253, G replaced by C.
Molecular consequence: splice acceptor variant.
Genome position (GRCh38, 1-based): chr16:75,631,254, C>G on the plus strand (G>C on the coding strand, the complement: KARS1 is on the minus strand). VCF-style: chr16-75631254-C-G. GRCh37 (hg19) VCF-style: chr16-75665152-C-G.
Other names: c.1337-1G>C (NM_001130089.2); c.785-1G>C (NM_001378148.1).
Identifiers: ClinVar variation 4873712 (VCV004873712.2).

ClinVar aggregate classification (germline): Likely pathogenic (1 of 4 stars; one submission).

Submission:

CeGaT Center for Human Genetics Tuebingen
Classification: Likely pathogenic. Last evaluated: 2026-05-01. Review status: criteria provided, single submitter. Criteria: CeGaT Center For Human Genetics Tuebingen Variant Classification Criteria Version 2. Collection method: clinical testing. Allele origin: germline. Affected: yes. Observed: 1 variant allele.
Comment: KARS1: PVS1:Strong, PM2